The following is an entry in ClinVar:

NM_144701.3(IL23R):c.1486A>G (p.Ser496Gly)

Gene: IL23R (interleukin 23 receptor; plus strand). Cytogenetic location: 1p31.3.
Variant type: single nucleotide variant.
Coding change: c.1486A>G on transcript NM_144701.3 (MANE Select); coding-DNA position 1486, A replaced by G.
Protein change: p.Ser496Gly; replaces serine 496 with glycine.
Molecular consequence: missense variant.
Genome position (GRCh38, 1-based): chr1:67,258,724, A>G. VCF-style: chr1-67258724-A-G. GRCh37 (hg19) VCF-style: chr1-67724407-A-G.
Other names: short protein forms S496G.
Identifiers: ClinVar variation 3699043 (VCV003699043.2).

ClinVar aggregate classification (germline): Uncertain significance (1 of 4 stars; one submission).

gnomAD v4.1: 12 of 1,613,612 alleles (0.00074%); highest among the groups gnomAD compares: Middle Eastern, 0.016%; no homozygotes.

Submission:

Labcorp Genetics (formerly Invitae), Labcorp
Classification: Uncertain significance. Last evaluated: 2024-08-30. Review status: criteria provided, single submitter. Criteria: Invitae Variant Classification Sherloc (09022015). Collection method: clinical testing. Allele origin: germline.
Comment: This sequence change replaces serine, which is neutral and polar, with glycine, which is neutral and non-polar, at codon 496 of the IL23R protein (p.Ser496Gly). This variant is present in population databases (rs768596081, gnomAD 0.002%). This variant has not been reported in the literature in individuals affected with IL23R-related conditions. An algorithm developed to predict the effect of missense changes on protein structure and function (PolyPhen-2) suggests that this variant is likely to be tolerated. In summary, the available evidence is currently insufficient to determine the role of this variant in disease. Therefore, it has been classified as a Variant of Uncertain Significance.